The following is an entry in ClinVar:

ClinVar aggregate classification (germline): Likely pathogenic (1 of 4 stars; one submission).

Conditions:
BCL11B-related disorder. Also called: BCL11B-Related Disorders.

gnomAD v4.1: 1 of 1,540,542 alleles (0.000065%); highest among the groups gnomAD compares: Non-Finnish European, 0.000086%; no homozygotes.

Submission:

PreventionGenetics, part of Exact Sciences
Classification: Likely pathogenic for BCL11B-related condition. Last evaluated: 2023-03-07. Review status: criteria provided, single submitter. Criteria: ACMG Guidelines, 2015. Collection method: clinical testing. Allele origin: germline.
Comment: The BCL11B c.945C>A variant is predicted to result in the amino acid substitution p.Asn315Lys. To our knowledge, this variant has not been reported in the literature or in a large population database, indicating this variant is rare. At this time, the clinical significance of this variant is uncertain due to the absence of conclusive functional and genetic evidence.

NM_138576.4(BCL11B):c.1158C>A (p.Asn386Lys)

Gene: BCL11B (BCL11 transcription factor B; minus strand). Cytogenetic location: 14q32.2.
Variant type: single nucleotide variant.
Coding change: c.1158C>A on transcript NM_138576.4 (MANE Select); coding-DNA position 1158, C replaced by A.
Protein change: p.Asn386Lys; replaces asparagine 386 with lysine.
Molecular consequence: missense variant.
Genome position (GRCh38, 1-based): chr14:99,175,678, G>T on the plus strand (C>A on the coding strand, the complement: BCL11B is on the minus strand). VCF-style: chr14-99175678-G-T. GRCh37 (hg19) VCF-style: chr14-99642015-G-T.
Other names: c.1155C>A, p.Asn385Lys (NM_001282237.2); c.942C>A, p.Asn314Lys (NM_001282238.2); c.945C>A, p.Asn315Lys (NM_022898.3); short protein forms N314K, N315K, N385K, N386K.
Identifiers: ClinVar variation 2630411 (VCV002630411.1), dbSNP rs1429625290, ClinGen allele CA390935990.